The following is an entry in ClinVar:

NM_152617.4(RNF168):c.1673C>T (p.Ser558Leu)

Gene: RNF168 (ring finger protein 168; minus strand). Cytogenetic location: 3q29.
Variant type: single nucleotide variant.
Coding change: c.1673C>T on transcript NM_152617.4 (MANE Select); coding-DNA position 1673, C replaced by T.
Protein change: p.Ser558Leu; replaces serine 558 with leucine.
Molecular consequence: missense variant.
Genome position (GRCh38, 1-based): chr3:196,471,862, G>A on the plus strand (C>T on the coding strand, the complement: RNF168 is on the minus strand). VCF-style: chr3-196471862-G-A. GRCh37 (hg19) VCF-style: chr3-196198733-G-A.
Other names: short protein forms S558L.
Identifiers: ClinVar variation 3614082 (VCV003614082.1).

ClinVar aggregate classification (germline): Uncertain significance (1 of 4 stars; one submission).

gnomAD v4.1: 3 of 1,613,984 alleles (0.00019%); highest among the groups gnomAD compares: Non-Finnish European, 0.00025%; no homozygotes.

Submission:

Labcorp Genetics (formerly Invitae), Labcorp
Classification: Uncertain significance. Last evaluated: 2024-10-14. Review status: criteria provided, single submitter. Criteria: Invitae Variant Classification Sherloc (09022015). Collection method: clinical testing. Allele origin: germline.
Comment: This sequence change replaces serine, which is neutral and polar, with leucine, which is neutral and non-polar, at codon 558 of the RNF168 protein (p.Ser558Leu). This variant is not present in population databases (gnomAD no frequency). This variant has not been reported in the literature in individuals affected with RNF168-related conditions. An algorithm developed to predict the effect of missense changes on protein structure and function (PolyPhen-2) suggests that this variant is likely to be disruptive. In summary, the available evidence is currently insufficient to determine the role of this variant in disease. Therefore, it has been classified as a Variant of Uncertain Significance.